The following is an entry in ClinVar:

ClinVar aggregate classification (germline): Uncertain significance (1 of 4 stars; one submission).

Conditions:
Neuroblastoma, susceptibility to, 3. Also called: ALK-Related Neuroblastic Tumor Susceptibility. Identifiers: Orphanet 635, MedGen C2751681, MONDO:0013083, OMIM 613014.

Allele frequency attached by ClinVar (database versions not stated): gnomAD exomes below 0.00001; TOPMed 0.00001.
gnomAD v4.1: 1 of 1,612,212 alleles (0.000062%); highest among the groups gnomAD compares: South Asian, 0.0011%; no homozygotes.

Submission:

Labcorp Genetics (formerly Invitae), Labcorp
Classification: Uncertain significance for Neuroblastoma, susceptibility to, 3. Last evaluated: 2022-07-15. Review status: criteria provided, single submitter. Criteria: Invitae Variant Classification Sherloc (09022015). Collection method: clinical testing. Allele origin: germline.
Comment: This sequence change replaces proline, which is neutral and non-polar, with leucine, which is neutral and non-polar, at codon 547 of the ALK protein (p.Pro547Leu). This variant is not present in population databases (gnomAD no frequency). In summary, the available evidence is currently insufficient to determine the role of this variant in disease. Therefore, it has been classified as a Variant of Uncertain Significance. Algorithms developed to predict the effect of missense changes on protein structure and function (SIFT, PolyPhen-2, Align-GVGD) all suggest that this variant is likely to be disruptive. This variant has not been reported in the literature in individuals affected with ALK-related conditions.

NM_004304.5(ALK):c.1640C>T (p.Pro547Leu)

Gene: ALK (ALK receptor tyrosine kinase; minus strand). Cytogenetic location: 2p23.2.
Variant type: single nucleotide variant.
Coding change: c.1640C>T on transcript NM_004304.5 (MANE Select); coding-DNA position 1640, C replaced by T.
Protein change: p.Pro547Leu; replaces proline 547 with leucine.
Molecular consequence: missense variant.
Genome position (GRCh38, 1-based): chr2:29,318,311, G>A on the plus strand (C>T on the coding strand, the complement: ALK is on the minus strand). VCF-style: chr2-29318311-G-A. GRCh37 (hg19) VCF-style: chr2-29541177-G-A.
Other names: short protein forms P547L.
Identifiers: ClinVar variation 2169409 (VCV002169409.4), dbSNP rs1263523427, ClinGen allele CA346470805.